The following is an entry in ClinVar:

NM_182931.3(KMT2E):c.269G>T (p.Gly90Val)

Gene: KMT2E (lysine methyltransferase 2E (inactive); plus strand). Cytogenetic location: 7q22.3.
Variant type: single nucleotide variant.
Coding change: c.269G>T on transcript NM_182931.3 (MANE Select); coding-DNA position 269, G replaced by T.
Protein change: p.Gly90Val; replaces glycine 90 with valine.
Molecular consequence: missense variant.
Genome position (GRCh38, 1-based): chr7:105,063,433, G>T. VCF-style: chr7-105063433-G-T. GRCh37 (hg19) VCF-style: chr7-104703880-G-T.
Other names: c.269G>T, p.Gly90Val (NM_001410908.1, NM_018682.4); short protein forms G90V.
Identifiers: ClinVar variation 3656114 (VCV003656114.2).
Genomic context (GRCh38, chr7:105,063,433, plus strand): 5'-CTCCTCCGACACCTCCGGCTTCCCCTCCTCCATCAGTCCTTATTAGCAAAAATGAAGTAG[G>T]CATATTTACCACTCCTAATTTTGATGAAACTTCCAGTGCTACTACAATCAGCACATCTGA-3'
Protein context (NP_891847.1, residues 80-100): PSVLISKNEV[Gly90Val]IFTTPNFDET

ClinVar aggregate classification (germline): Uncertain significance (1 of 4 stars; one submission).

gnomAD v4.1: 1 of 1,613,748 alleles (0.000062%); highest among the groups gnomAD compares: African/African-American, 0.0013%; no homozygotes.

Submission:

Labcorp Genetics (formerly Invitae), Labcorp
Classification: Uncertain significance. Last evaluated: 2024-06-10. Review status: criteria provided, single submitter. Criteria: Invitae Variant Classification Sherloc (09022015). Collection method: clinical testing. Allele origin: germline.
Comment: This sequence change replaces glycine, which is neutral and non-polar, with valine, which is neutral and non-polar, at codon 90 of the KMT2E protein (p.Gly90Val). This variant is not present in population databases (gnomAD no frequency). This variant has not been reported in the literature in individuals affected with KMT2E-related conditions. Advanced modeling of protein sequence and biophysical properties (such as structural, functional, and spatial information, amino acid conservation, physicochemical variation, residue mobility, and thermodynamic stability) performed at Invitae indicates that this missense variant is not expected to disrupt KMT2E protein function with a negative predictive value of 80%. In summary, the available evidence is currently insufficient to determine the role of this variant in disease. Therefore, it has been classified as a Variant of Uncertain Significance.